The following is an entry in ClinVar:

ClinVar aggregate classification (germline): Conflicting classifications of pathogenicity. Review status: criteria provided, conflicting classifications (1 of 4 stars). 4 submissions from 4 submitters: Uncertain significance (3); Likely benign (1). Last evaluated 2025-04-16.

Conditions:
Neurodevelopmental disorder and structural brain anomalies with or without seizures and spasticity. Identifiers: MedGen C5394423, MONDO:0030046, OMIM 618890.
Inborn genetic diseases. Identifiers: MedGen C0950123, MeSH D030342.

Allele frequency attached by ClinVar (database versions not stated): ESP Exome Variant Server 0.00008; TOPMed 0.00020; gnomAD 0.00022 and 0.00023; gnomAD exomes 0.00024 and 0.00032; ExAC 0.00031.
gnomAD v4.1: 386 of 1,613,322 alleles (0.024%); highest among the groups gnomAD compares: Admixed American, 0.043%; no homozygotes.

Submissions (4):

ARUP Laboratories, Molecular Genetics and Genomics, ARUP Laboratories
Classification: Uncertain significance for Neurodevelopmental disorder and structural brain anomalies with or without seizures and spasticity. Last evaluated: 2025-04-16. Review status: criteria provided, single submitter. Criteria: ARUP Molecular Germline Variant Investigation Process 2024. Collection method: clinical testing. Allele origin: germline.

Blueprint Genetics
Classification: Likely benign. Last evaluated: 2024-11-21. Review status: criteria provided, single submitter. Criteria: ACMG Guidelines, 2015. Collection method: clinical testing. Allele origin: germline.

Labcorp Genetics (formerly Invitae), Labcorp
Classification: Uncertain significance. Last evaluated: 2024-01-24. Review status: criteria provided, single submitter. Criteria: Invitae Variant Classification Sherloc (09022015). Collection method: clinical testing. Allele origin: germline.
Comment: This sequence change replaces proline, which is neutral and non-polar, with leucine, which is neutral and non-polar, at codon 1530 of the PTPN23 protein (p.Pro1530Leu). This variant is present in population databases (rs200553671, gnomAD 0.06%). This variant has not been reported in the literature in individuals affected with PTPN23-related conditions. ClinVar contains an entry for this variant (Variation ID: 1419256). Algorithms developed to predict the effect of missense changes on protein structure and function output the following: SIFT: "Not Available"; PolyPhen-2: "Not Available"; Align-GVGD: "Not Available". The leucine amino acid residue is found in multiple mammalian species, which suggests that this missense change does not adversely affect protein function. In summary, the available evidence is currently insufficient to determine the role of this variant in disease. Therefore, it has been classified as a Variant of Uncertain Significance.

Ambry Genetics
Classification: Uncertain significance for Inborn genetic diseases. Last evaluated: 2023-06-06. Review status: criteria provided, single submitter. Criteria: Ambry Variant Classification Scheme 2023. Collection method: clinical testing. Allele origin: germline.

NM_015466.4(PTPN23):c.4589C>T (p.Pro1530Leu)

Gene: PTPN23 (protein tyrosine phosphatase non-receptor type 23; plus strand). Cytogenetic location: 3p21.31.
Variant type: single nucleotide variant.
Coding change: c.4589C>T on transcript NM_015466.4 (MANE Select); coding-DNA position 4589, C replaced by T.
Protein change: p.Pro1530Leu; replaces proline 1530 with leucine.
Molecular consequence: missense variant.
Genome position (GRCh38, 1-based): chr3:47,412,863, C>T. VCF-style: chr3-47412863-C-T. GRCh37 (hg19) VCF-style: chr3-47454353-C-T.
Other names: c.4211C>T, p.Pro1404Leu (NM_001304482.2); c.4589C>T (NM_015466.2); short protein forms P1530L, P1404L.
Identifiers: ClinVar variation 1419256 (VCV001419256.7), dbSNP rs200553671, ClinGen allele CA2366640.
Genomic context (GRCh38, chr3:47,412,863, plus strand): 5'-CTGGGGGGTTGGAGTCCCCGGTTGCCAGCTTGCCAGGCCCTGCAGAGCCCCCAGGCCTCC[C>T]GCCAGCCAGCCTCCCAGAGTCTACCCCAATCCCATCTTCCTCCCCGCCCCCCCTTTCCTC-3'
Protein context (NP_056281.1, residues 1520-1540): LPGPAEPPGL[Pro1530Leu]PASLPESTPI